The following is an entry in ClinVar:

NM_001254.4(CDC6):c.74A>C (p.Lys25Thr)

Gene: CDC6 (cell division cycle 6; plus strand). Cytogenetic location: 17q21.2.
Variant type: single nucleotide variant.
Coding change: c.74A>C on transcript NM_001254.4 (MANE Select); coding-DNA position 74, A replaced by C.
Protein change: p.Lys25Thr; replaces lysine 25 with threonine.
Molecular consequence: missense variant.
Genome position (GRCh38, 1-based): chr17:40,289,494, A>C. VCF-style: chr17-40289494-A-C. GRCh37 (hg19) VCF-style: chr17-38445746-A-C.
Other names: c.74A>C (NM_001254.3); short protein forms K25T.
Identifiers: ClinVar variation 1913518 (VCV001913518.6), dbSNP rs2544130917, ClinGen allele CA399324919.

ClinVar aggregate classification (germline): Uncertain significance. Review status: criteria provided, multiple submitters, no conflicts (2 of 4 stars). 2 submissions from 2 submitters: Uncertain significance (2). Last evaluated 2025-12-04.

Submissions (2):

Ambry Genetics
Classification: Uncertain significance. Last evaluated: 2025-12-04. Review status: criteria provided, single submitter. Criteria: Ambry Variant Classification Scheme 2023. Collection method: clinical testing. Allele origin: germline.

Labcorp Genetics (formerly Invitae), Labcorp
Classification: Uncertain significance. Last evaluated: 2022-08-19. Review status: criteria provided, single submitter. Criteria: Invitae Variant Classification Sherloc (09022015). Collection method: clinical testing. Allele origin: germline.
Comment: In summary, the available evidence is currently insufficient to determine the role of this variant in disease. Therefore, it has been classified as a Variant of Uncertain Significance. Algorithms developed to predict the effect of missense changes on protein structure and function are either unavailable or do not agree on the potential impact of this missense change (SIFT: "Deleterious"; PolyPhen-2: "Benign"; Align-GVGD: "Class C0"). This sequence change replaces lysine, which is basic and polar, with threonine, which is neutral and polar, at codon 25 of the CDC6 protein (p.Lys25Thr). This variant is not present in population databases (gnomAD no frequency). This variant has not been reported in the literature in individuals affected with CDC6-related conditions.